The following is an entry in ClinVar:

ClinVar aggregate classification (germline): Uncertain significance (1 of 4 stars; one submission).

Allele frequency attached by ClinVar (database versions not stated): gnomAD 0.00001; TOPMed 0.00001.
gnomAD v4.1: 22 of 1,613,868 alleles (0.0014%); highest among the groups gnomAD compares: Non-Finnish European, 0.0018%; no homozygotes.

Submission:

Labcorp Genetics (formerly Invitae), Labcorp
Classification: Uncertain significance. Last evaluated: 2019-12-07. Review status: criteria provided, single submitter. Criteria: Invitae Variant Classification Sherloc (09022015). Collection method: clinical testing. Allele origin: germline.
Comment: In summary, the available evidence is currently insufficient to determine the role of this variant in disease. Therefore, it has been classified as a Variant of Uncertain Significance. Algorithms developed to predict the effect of sequence changes on RNA splicing suggest that this variant may create or strengthen a splice site, but this prediction has not been confirmed by published transcriptional studies. Algorithms developed to predict the effect of missense changes on protein structure and function (SIFT, PolyPhen-2, Align-GVGD) all suggest that this variant is likely to be tolerated, but these predictions have not been confirmed by published functional studies and their clinical significance is uncertain. This variant has not been reported in the literature in individuals with ADAM9-related conditions. This variant is present in population databases (rs757409679, ExAC 0.01%). This sequence change replaces asparagine with aspartic acid at codon 672 of the ADAM9 protein (p.Asn672Asp). The asparagine residue is moderately conserved and there is a small physicochemical difference between asparagine and aspartic acid.

NM_003816.3(ADAM9):c.2014A>G (p.Asn672Asp)

Gene: ADAM9 (ADAM metallopeptidase domain 9; plus strand). Cytogenetic location: 8p11.22.
Variant type: single nucleotide variant.
Coding change: c.2014A>G on transcript NM_003816.3 (MANE Select); coding-DNA position 2014, A replaced by G.
Protein change: p.Asn672Asp; replaces asparagine 672 with aspartic acid.
Molecular consequence: missense variant. On other transcripts: non-coding transcript variant (1).
Genome position (GRCh38, 1-based): chr8:39,083,019, A>G. VCF-style: chr8-39083019-A-G. GRCh37 (hg19) VCF-style: chr8-38940538-A-G.
Other names: short protein forms N672D.
Identifiers: ClinVar variation 860166 (VCV000860166.6), dbSNP rs757409679, ClinGen allele CA4721777.
Genomic context (GRCh38, chr8:39,083,019, plus strand): 5'-GTTTTGAAGGTATGTAATAGCAATAAGAATTGTCACTGTGAAAATGGCTGGGCTCCCCCA[A>G]ATTGTGAGACTAAAGGATACGGAGGAAGTGTGGACAGTGGACCTACATACAATGGCAAGT-3'
Protein context (NP_003807.1, residues 662-682): CHCENGWAPP[Asn672Asp]CETKGYGGSV